The following is an entry in ClinVar:

ClinVar aggregate classification (germline): Uncertain significance (1 of 4 stars; one submission).

Conditions:
Hereditary cancer-predisposing syndrome. Also called: Tumor predisposition; Hereditary neoplastic syndrome; Hereditary Cancer Syndrome; Neoplastic Syndromes, Hereditary. Identifiers: Orphanet 140162, MedGen C0027672, MeSH D009386, MONDO:0015356.

Allele frequency attached by ClinVar (database versions not stated): gnomAD exomes below 0.00001.
gnomAD v4.1: 1 of 1,613,278 alleles (0.000062%); highest among the groups gnomAD compares: South Asian, 0.0011%; no homozygotes.

Submission:

Ambry Genetics
Classification: Uncertain significance for Hereditary cancer-predisposing syndrome. Last evaluated: 2023-09-27. Review status: criteria provided, single submitter. Criteria: Ambry Variant Classification Scheme 2023. Collection method: clinical testing. Allele origin: germline.
Comment: The p.K83Q variant (also known as c.247A>C), located in coding exon 2 of the NTHL1 gene, results from an A to C substitution at nucleotide position 247. The lysine at codon 83 is replaced by glutamine, an amino acid with similar properties. This amino acid position is conserved. In addition, this alteration is predicted to be tolerated by in silico analysis. Since supporting evidence is limited at this time, the clinical significance of this alteration remains unclear.

NM_002528.7(NTHL1):c.223A>C (p.Lys75Gln)

Gene: NTHL1 (nth like DNA glycosylase 1; minus strand). Cytogenetic location: 16p13.3.
Variant type: single nucleotide variant.
Coding change: c.223A>C on transcript NM_002528.7 (MANE Select); coding-DNA position 223, A replaced by C.
Protein change: p.Lys75Gln; replaces lysine 75 with glutamine.
Molecular consequence: missense variant. On other transcripts: intron variant (1).
Genome position (GRCh38, 1-based): chr16:2,046,259, T>G on the plus strand (A>C on the coding strand, the complement: NTHL1 is on the minus strand). VCF-style: chr16-2046259-T-G. GRCh37 (hg19) VCF-style: chr16-2096260-T-G.
Other names: c.223A>C, p.Lys75Gln (NM_001318193.2); c.24+21A>C (NM_001318194.2); short protein forms K75Q.
Identifiers: ClinVar variation 3222665 (VCV003222665.1), dbSNP rs2548320449, ClinGen allele CA394297390.
Genomic context (GRCh38, chr16:2,046,259, plus strand): 5'-TCATGGCACGGATGTTGACCAGCTGTTGCTGCCAGTCCTGGGGCTCCCAGACTGGCACCT[T>G]GAGGGGCTCAGCCCCCTCACCTTTCTCACTGTCCGAGCCCTCATAGGCCACACGCAGTCT-3'
Protein context (NP_002519.2, residues 65-85): SEKGEGAEPL[Lys75Gln]VPVWEPQDWQ